The following is an entry in ClinVar:

ClinVar aggregate classification (germline): Pathogenic/Likely pathogenic. Review status: criteria provided, multiple submitters, no conflicts (2 of 4 stars). 2 submissions from 2 submitters: Pathogenic (1); Likely pathogenic (1). Last evaluated 2025-11-29.

Conditions:
Koolen-de Vries syndrome (KDVS). Identifiers: Orphanet 96169, MedGen C1864871, MONDO:0012496, OMIM 610443.

Submissions (2):

Laboratorio de Genetica e Diagnostico Molecular, Hospital Israelita Albert Einstein
Classification: Likely pathogenic for Koolen-de Vries syndrome. Last evaluated: 2025-11-29. Review status: criteria provided, single submitter. Criteria: ACMG Guidelines, 2015. Collection method: clinical testing. Allele origin: germline. Affected: yes.
Comment: ACMG classification criteria: PVS1 very strong, PM2 supporting

Labcorp Genetics (formerly Invitae), Labcorp
Classification: Pathogenic for Koolen-de Vries syndrome. Last evaluated: 2019-06-20. Review status: criteria provided, single submitter. Criteria: Invitae Variant Classification Sherloc (09022015). Collection method: clinical testing. Allele origin: germline.
Comment: For these reasons, this variant has been classified as Pathogenic. Donor and acceptor splice site variants typically lead to a loss of protein function (PMID: 16199547), and loss-of-function variants in KANSL1 are known to be pathogenic (PMID: 22544363, 22544367). Algorithms developed to predict the effect of sequence changes on RNA splicing suggest that this variant may disrupt the consensus splice site, but this prediction has not been confirmed by published transcriptional studies. This variant is not present in population databases (ExAC no frequency). This sequence change affects a donor splice site in intron 13 of the KANSL1 gene. It is expected to disrupt RNA splicing and likely results in an absent or disrupted protein product.

Literature cited by the submitters: PubMed 16199547 (cited by Labcorp Genetics (formerly Invitae), Labcorp); PubMed 22544363 (cited by Labcorp Genetics (formerly Invitae), Labcorp); PubMed 22544367 (cited by Labcorp Genetics (formerly Invitae), Labcorp).

NM_015443.4(KANSL1):c.2837+2T>C

Gene: KANSL1 (KAT8 regulatory NSL complex subunit 1). Cytogenetic location: 17q21.31.
Variant type: single nucleotide variant.
Coding change: c.2837+2T>C on transcript NM_015443.4 (MANE Select); the canonical splice donor site of the intron after coding-DNA position 2837, T replaced by C.
Molecular consequence: splice donor variant.
Genome position (GRCh38, 1-based): chr17:46,033,078, A>G on the plus strand (T>C on the coding strand, the complement: KANSL1 is on the minus strand). VCF-style: chr17-46033078-A-G. GRCh37 (hg19) VCF-style: chr17-44110444-A-G.
Other names: c.1379+2T>C (NM_001405885.1); c.1382+2T>C (NM_001405884.1); c.1568+2T>C (NM_001405883.1); c.1571+2T>C (NM_001405882.1); c.2732+2T>C (NM_001405881.1, NM_001405861.1); c.2735+2T>C (NM_001405859.1, NM_001405860.1); c.2645+2T>C (NM_001405879.1, NM_001405880.1); c.2648+2T>C (NM_001405875.1, NM_001405878.1, NM_001405877.1 and 1 more transcripts); and 2 more.
Identifiers: ClinVar variation 944681 (VCV000944681.12), dbSNP rs975947508, ClinGen allele CA399987427.